The following is an entry in ClinVar:

NM_006517.5(SLC16A2):c.385C>G (p.Leu129Val)

Gene: SLC16A2 (solute carrier family 16 member 2; plus strand). Cytogenetic location: Xq13.2.
Variant type: single nucleotide variant.
Coding change: c.385C>G on transcript NM_006517.5 (MANE Select); coding-DNA position 385, C replaced by G.
Protein change: p.Leu129Val; replaces leucine 129 with valine.
Molecular consequence: missense variant.
Genome position (GRCh38, 1-based): chrX:74,422,022, C>G. VCF-style: chrX-74422022-C-G. GRCh37 (hg19) VCF-style: chrX-73641857-C-G.
Other names: short protein forms L129V.
Identifiers: ClinVar variation 3647004 (VCV003647004.2).
Genomic context (GRCh38, chrX:74,422,022, plus strand): 5'-TGGTGCAACGGCTCCATCTTCGGCATCCATAACTCTGTCGGGATCCTCTACTCCATGCTG[C>G]TAGAGGAGGAAAAGGAAAAAAATCGCCAAGTGGAGTTCCAAGCAGGTGAGTGGCCCCGCA-3'
Protein context (NP_006508.2, residues 119-139): NSVGILYSML[Leu129Val]EEEKEKNRQV

ClinVar aggregate classification (germline): Uncertain significance (1 of 4 stars; one submission).

Conditions:
Spastic paraplegia. Identifiers: MedGen C0037772, HP:0001258.

Submission:

Labcorp Genetics (formerly Invitae), Labcorp
Classification: Uncertain significance for Spastic paraplegia. Last evaluated: 2024-03-20. Review status: criteria provided, single submitter. Criteria: Invitae Variant Classification Sherloc (09022015). Collection method: clinical testing. Allele origin: germline.
Comment: This sequence change replaces leucine, which is neutral and non-polar, with valine, which is neutral and non-polar, at codon 129 of the SLC16A2 protein (p.Leu129Val). This variant is not present in population databases (gnomAD no frequency). This variant has not been reported in the literature in individuals affected with SLC16A2-related conditions. Advanced modeling of protein sequence and biophysical properties (such as structural, functional, and spatial information, amino acid conservation, physicochemical variation, residue mobility, and thermodynamic stability) performed at Invitae indicates that this missense variant is expected to disrupt SLC16A2 protein function with a positive predictive value of 80%. In summary, the available evidence is currently insufficient to determine the role of this variant in disease. Therefore, it has been classified as a Variant of Uncertain Significance.